The following is an entry in ClinVar:

NM_001270974.2(HYDIN):c.14884-4dup

Gene: HYDIN (HYDIN axonemal central pair apparatus protein; minus strand). Cytogenetic location: 16q22.2.
Variant type: Duplication.
Coding change: c.14884-4dup on transcript NM_001270974.2 (MANE Select); 4 bases into the intron before coding-DNA position 14884, one base duplicated (T; older notation c.14884-4dupT).
Molecular consequence: intron variant.
Genome position (GRCh38, 1-based): chr16:70,808,066, A duplicated on the plus strand (T on the coding strand, the reverse complement: HYDIN is on the minus strand); the first of 3 consecutive A bases (chr16:70,808,066-70,808,068); duplicating any one gives the same sequence. VCF-style (leftmost placement, unchanged base first): chr16-70808065-G-GA. GRCh37 (hg19) VCF-style: chr16-70841968-G-GA.
Identifiers: ClinVar variation 2646688 (VCV002646688.24), dbSNP rs1267124382, ClinGen allele CA623577967.

ClinVar aggregate classification (germline): Likely benign (1 of 4 stars; one submission).

Submission:

CeGaT Center for Human Genetics Tuebingen
Classification: Likely benign. Last evaluated: 2023-03-01. Review status: criteria provided, single submitter. Criteria: CeGaT Center For Human Genetics Tuebingen Variant Classification Criteria Version 2. Collection method: clinical testing. Allele origin: germline. Affected: yes. Observed: 1 variant allele.
Comment: HYDIN: BP4, BS2